The following is an entry in ClinVar:

ClinVar aggregate classification (germline): Uncertain significance. Review status: criteria provided, multiple submitters, no conflicts (2 of 4 stars). 2 submissions from 2 submitters: Uncertain significance (2). Last evaluated 2024-02-05.

Conditions:
Colorectal cancer, hereditary nonpolyposis, type 7. Identifiers: Orphanet 144, MedGen C1858380, MONDO:0013725, OMIM 614385.

Allele frequency attached by ClinVar (database versions not stated): gnomAD exomes below 0.00001.
gnomAD v4.1: 2 of 1,613,670 alleles (0.00012%); highest among the groups gnomAD compares: East Asian, 0.0022%; no homozygotes.

Submissions (2):

Ambry Genetics
Classification: Uncertain significance. Last evaluated: 2024-02-05. Review status: criteria provided, single submitter. Criteria: Ambry Variant Classification Scheme 2023. Collection method: clinical testing. Allele origin: germline.

Labcorp Genetics (formerly Invitae), Labcorp
Classification: Uncertain significance for Colorectal cancer, hereditary nonpolyposis, type 7. Last evaluated: 2019-03-05. Review status: criteria provided, single submitter. Criteria: Invitae Variant Classification Sherloc (09022015). Collection method: clinical testing. Allele origin: germline.
Comment: Algorithms developed to predict the effect of missense changes on protein structure and function output the following: SIFT: "Tolerated"; PolyPhen-2: "Benign"; Align-GVGD: "Class C0". The glycine amino acid residue is found in multiple mammalian species, suggesting that this missense change does not adversely affect protein function. These predictions have not been confirmed by published functional studies and their clinical significance is uncertain. This variant has not been reported in the literature in individuals with MLH3-related conditions. In summary, the available evidence is currently insufficient to determine the role of this variant in disease. Therefore, it has been classified as a Variant of Uncertain Significance. This sequence change replaces serine with glycine at codon 1442 of the MLH3 protein (p.Ser1442Gly). The serine residue is weakly conserved and there is a small physicochemical difference between serine and glycine. This variant is not present in population databases (ExAC no frequency).

NM_001040108.2(MLH3):c.4324A>G (p.Ser1442Gly)

Gene: MLH3 (mutL homolog 3; minus strand). Cytogenetic location: 14q24.3.
Variant type: single nucleotide variant.
Coding change: c.4324A>G on transcript NM_001040108.2 (MANE Select); coding-DNA position 4324, A replaced by G.
Protein change: p.Ser1442Gly; replaces serine 1442 with glycine.
Molecular consequence: missense variant.
Genome position (GRCh38, 1-based): chr14:75,017,120, T>C on the plus strand (A>G on the coding strand, the complement: MLH3 is on the minus strand). VCF-style: chr14-75017120-T-C. GRCh37 (hg19) VCF-style: chr14-75483823-T-C.
Other names: c.4252A>G, p.Ser1418Gly (NM_014381.3); short protein forms S1418G, S1442G.
Identifiers: ClinVar variation 852404 (VCV000852404.10), dbSNP rs368866849, ClinGen allele CA263629475.